The following is an entry in ClinVar:

NM_000051.4(ATM):c.1236-3del

Gene: ATM (ATM serine/threonine kinase; plus strand). Cytogenetic location: 11q22.3.
Variant type: Deletion.
Coding change: c.1236-3del on transcript NM_000051.4 (MANE Select); 3 bases into the intron before coding-DNA position 1236, one base deleted (T; older notation c.1236-3delT).
Molecular consequence: intron variant.
Genome position (GRCh38, 1-based): chr11:108,250,698, T deleted; the last of 15 consecutive T bases (chr11:108,250,684-108,250,698); deleting any one gives the same sequence. VCF-style (leftmost placement, unchanged base first): chr11-108250683-CT-C. GRCh37 (hg19) VCF-style: chr11-108121410-CT-C.
Other names: c.1236-3del (NM_001351834.2); c.1236-17delT (NM_000051.3); c.1236-3delT (NM_000051.4, NM_000051.3).
Identifiers: ClinVar variation 183771 (VCV000183771.22), dbSNP rs34325032, ClinGen allele CA186412.

ClinVar aggregate classification (germline): Benign/Likely benign. Review status: criteria provided, multiple submitters, no conflicts (2 of 4 stars). 11 submissions from 11 submitters: Benign (4); Likely benign (2). 5 of the submissions do not count toward it. Last evaluated 2025-03-04.

Conditions:
Breast and/or ovarian cancer. Identifiers: MedGen CN221562.
Hereditary cancer-predisposing syndrome. Also called: Tumor predisposition; Hereditary Cancer Syndrome; Hereditary neoplastic syndrome; Neoplastic Syndromes, Hereditary. Identifiers: Orphanet 140162, MedGen C0027672, MeSH D009386, MONDO:0015356.
Ataxia-telangiectasia syndrome (AT). Also called: LOUIS-BAR SYNDROME; Cerebello-oculocutaneous telangiectasia; Immunodeficiency with ataxia telangiectasia; ATAXIA-TELANGIECTASIA, COMPLEMENTATION GROUP A; ATAXIA-TELANGIECTASIA, FRESNO VARIANT; Ataxia-telangiectasia. Identifiers: Orphanet 100, MedGen C0004135, MONDO:0008840, OMIM 208900.

Submissions (11):

Center for Genomic Medicine, Rigshospitalet, Copenhagen University Hospital
Classification: Benign. Last evaluated: 2025-03-04. Review status: criteria provided, single submitter. Criteria: ACMG Guidelines, 2015. Collection method: clinical testing. Allele origin: germline.

Unidad de Genómica Garrahan, Hospital de Pediatría Garrahan
Classification: Benign. Last evaluated: 2023-11-12. Review status: criteria provided, single submitter. Criteria: ACMG Guidelines, 2015. Collection method: clinical testing. Allele origin: germline. Affected: no. Observed: 19 variant alleles.
Comment: This variant is classified as Benign based on local population frequency. This variant was detected in 20% of patients studied by a panel of primary immunodeficiencies. Number of patients: 19. Only high quality variants are reported.

CHEO Genetics Diagnostic Laboratory, Children's Hospital of Eastern Ontario
Classification: Benign for Breast and/or ovarian cancer. Last evaluated: 2021-04-21. Review status: criteria provided, single submitter. Criteria: ACMG Guidelines, 2015. Collection method: clinical testing. Allele origin: germline.

Mendelics
Classification: Benign for Ataxia-telangiectasia syndrome. Last evaluated: 2019-05-28. Review status: criteria provided, single submitter. Criteria: Mendelics Assertion Criteria 2017. Collection method: clinical testing. Allele origin: unknown.

Color Diagnostics, LLC DBA Color Health
Classification: Likely benign for Hereditary cancer-predisposing syndrome. Last evaluated: 2017-06-29. Review status: criteria provided, single submitter. Criteria: ACMG Guidelines, 2015. Collection method: clinical testing. Allele origin: germline.

Ambry Genetics
Classification: Likely benign for Hereditary cancer-predisposing syndrome. Last evaluated: 2012-10-10. Review status: criteria provided, single submitter. Criteria: Ambry Autosomal Dominant and X-Linked criteria (10/2015). Collection method: clinical testing. Allele origin: germline. Observed: 1 variant allele.

Clinical Genetics Laboratory, Department of Pathology, Netherlands Cancer Institute
Classification: Benign. Review status: no assertion criteria provided. Collection method: clinical testing. Allele origin: germline. Affected: yes. Study: VKGL Data-share Consensus. Not counted in ClinVar's aggregate classification.

Clinical Genetics, Academic Medical Center
Classification: Benign. Review status: no assertion criteria provided. Collection method: clinical testing. Allele origin: germline. Affected: yes. Study: VKGL Data-share Consensus. Not counted in ClinVar's aggregate classification.

Diagnostic Laboratory, Department of Genetics, University Medical Center Groningen
Classification: Benign. Review status: no assertion criteria provided. Collection method: clinical testing. Allele origin: germline. Affected: yes. Study: VKGL Data-share Consensus. Not counted in ClinVar's aggregate classification.

Genome Diagnostics Laboratory, Amsterdam University Medical Center
Classification: Benign. Review status: no assertion criteria provided. Collection method: clinical testing. Allele origin: germline. Affected: yes. Study: VKGL Data-share Consensus. Not counted in ClinVar's aggregate classification.

Laboratory of Diagnostic Genome Analysis, Leiden University Medical Center (LUMC)
Classification: Likely benign. Review status: no assertion criteria provided. Collection method: clinical testing. Allele origin: germline. Affected: yes. Study: VKGL Data-share Consensus. Not counted in ClinVar's aggregate classification.